The following is an entry in ClinVar:

NM_001330691.3(CEP78):c.1846-1G>C

Gene: CEP78 (centrosomal protein 78; plus strand). Cytogenetic location: 9q21.2.
Variant type: single nucleotide variant.
Coding change: c.1846-1G>C on transcript NM_001330691.3 (MANE Select); the canonical splice acceptor site of the intron before coding-DNA position 1846, G replaced by C.
Molecular consequence: splice acceptor variant.
Genome position (GRCh38, 1-based): chr9:78,266,441, G>C. VCF-style: chr9-78266441-G-C. GRCh37 (hg19) VCF-style: chr9-80881357-G-C.
Other names: c.1849-1G>C (NM_001349839.2, NM_001098802.3); c.1801-1G>C (NM_001349840.2, NM_032171.3); c.1798-1G>C (NM_001330693.3, NM_001330694.2); c.1846-1G>C (NM_001349838.2).
Identifiers: ClinVar variation 667214 (VCV000667214.42), dbSNP rs146563928, ClinGen allele CA5095381.

ClinVar aggregate classification (germline): Conflicting classifications of pathogenicity. Review status: criteria provided, conflicting classifications (1 of 4 stars). 8 submissions from 8 submitters: Uncertain significance (2); Benign (1); Likely benign (3). 2 of the submissions do not count toward it. Last evaluated 2026-01-21.

Conditions:
Cone-rod dystrophy and hearing loss 1 (CRDHL1). Identifiers: MedGen C5193018, MONDO:0020778, OMIM 617236.
Retinal dystrophy. Also called: Inherited retinal dystrophy. Identifiers: Orphanet 71862, MedGen C0854723, MeSH D058499, MONDO:0019118, HP:0000556.
CEP78-related disorder. Also called: CEP78-related condition.

Allele frequency attached by ClinVar (database versions not stated): 1000 Genomes Project 30x 0.00031; 1000 Genomes Project 0.00040; ExAC 0.00176; TOPMed 0.00179; gnomAD 0.00184 and 0.00193; ESP Exome Variant Server 0.00186; gnomAD exomes 0.00187 and 0.00324.
gnomAD v4.1: 4,901 of 1,578,644 alleles (0.31%); highest among the groups gnomAD compares: Non-Finnish European, 0.37%; 12 homozygotes.

Submissions (27):

Labcorp Genetics (formerly Invitae), Labcorp
Classification: Likely benign. Last evaluated: 2026-01-21. Review status: criteria provided, single submitter. Criteria: Invitae Variant Classification Sherloc (09022015). Collection method: clinical testing. Allele origin: germline.

Women's Health and Genetics/Laboratory Corporation of America, LabCorp
Classification: Benign. Last evaluated: 2025-10-08. Review status: criteria provided, single submitter. Criteria: LabCorp Variant Classification Summary - May 2015. Collection method: clinical testing. Allele origin: germline.
Comment: Variant summary: CEP78 c.1849-1G>C is located in a canonical splice-site and is predicted to affect mRNA splicing resulting in a significantly altered protein due to either exon skipping, shortening, or inclusion of intronic material. Variants that disrupt the consensus splice site are a relatively common cause of aberrant splicing and loss of CEP78 function. Several computational tools predict a significant impact on normal splicing: Four predict the variant abolishes a 3' acceptor site. Two predict the variant creates a 3' acceptor site. One predicts the variant strengthens a cryptic 3' acceptor site. However, these predictions have yet to be confirmed by functional studies. The variant allele was found at a frequency of 0.0019 in 226736 control chromosomes, predominantly at a frequency of 0.0029 within the Non-Finnish European subpopulation in the gnomAD database, including 1 homozygote. A further 11 homozygous controls were reported in the gnomAD v4 database. The observed variant frequency within Non-Finnish European control individuals in the gnomAD database exceeds the estimated maximal expected allele frequency for disease-causing variants in CEP78. To our knowledge, no occurrence of c.1849-1G>C in individuals affected with CEP78-related conditions and no experimental evidence demonstrating its impact on protein function have been reported. The following publications have been ascertained in the context of this evaluation (PMID: 30096381, 38523675, 30484961, 30664616). ClinVar contains an entry for this variant (Variation ID: 667214). Based on the evidence outlined above, the variant was classified as benign.

CeGaT Center for Human Genetics Tuebingen
Classification: Likely benign. Last evaluated: 2025-10-01. Review status: criteria provided, single submitter. Criteria: CeGaT Center For Human Genetics Tuebingen Variant Classification Criteria Version 2. Collection method: clinical testing. Allele origin: germline. Affected: yes. Observed: 2 variant alleles.
Comment: CEP78: PVS1:Moderate, BS2

Blueprint Genetics
Classification: Likely benign. Last evaluated: 2024-10-15. Review status: criteria provided, single submitter. Criteria: ACMG Guidelines, 2015. Collection method: clinical testing. Allele origin: germline.

Revvity Omics, Revvity
Classification: Uncertain significance for Cone-rod dystrophy and hearing loss 1. Last evaluated: 2023-11-13. Review status: criteria provided, single submitter. Criteria: ACMG Guidelines, 2015. Collection method: clinical testing. Allele origin: germline.

Laboratory for Molecular Medicine, Mass General Brigham Personalized Medicine
Classification: Uncertain significance. Last evaluated: 2019-07-24. Review status: criteria provided, single submitter. Criteria: LMM Criteria. Collection method: clinical testing. Allele origin: germline. Observed: 5 variant alleles.
Comment: Variant classified as Uncertain Significance - Favor Benign. The c.1849-1G>C variant in CEP78 has not been previously reported in individuals with rod-cone dystrophy, but has been reported by our laboratory in the heterozygous state in 5 individuals with hearing loss, including 2 who had alternate explanations of the hearing loss. This variant has been identified in 0.3% (350/120170) of European chromosomes, including 2 homozygotes, by the Genome Aggregation Database (gnomAD; dbSNP rs146563928). This variant occurs in the last exon of the gene and it is in the invariant region (+/- 1,2) of the splice consensus sequence and is expected to impact the splice site. Computation splice tools suggests the variant creates a cryptic 3' splice site 6 bp downstream of the original splice site which is predicted to result in an in-frame deletion of two amino acids; however these tools may not accurately reflect impact of the variant on splicing. While the clinical significance of the c.1849-1G>C variant is uncertain, the frequency data suggest that it is more likely to be benign. ACMG/AMP Criteria applied: BS1, BP5, PP3.

PreventionGenetics, part of Exact Sciences
Classification: Likely benign for CEP78-related condition. Last evaluated: 2023-02-24. Review status: no assertion criteria provided. Collection method: clinical testing. Allele origin: germline. Not counted in ClinVar's aggregate classification.
Comment: This variant is classified as likely benign based on ACMG/AMP sequence variant interpretation guidelines (Richards et al. 2015 PMID: 25741868, with internal and published modifications).

Institute of Human Genetics, Univ. Regensburg, Univ. Regensburg
Classification: Uncertain significance for Retinal dystrophy. Last evaluated: 2022-01-01. Review status: no assertion criteria provided. Criteria: ACMG Guidelines, 2015. Collection method: clinical testing. Allele origin: germline. Affected: yes. Not counted in ClinVar's aggregate classification.

Dr. Peter K. Rogan Lab, Western University
No classification provided (evidence only). Condition: Malignant tumor of urinary bladder. Review status: no classification provided. Collection method: in vitro. Allele origin: not applicable. Functional consequence: retained intron. Not counted in ClinVar's aggregate classification.

Dr. Peter K. Rogan Lab, Western University
No classification provided (evidence only). Condition: Malignant tumor of urinary bladder. Review status: no classification provided. Collection method: in vitro. Allele origin: not applicable. Functional consequence: retained intron. Not counted in ClinVar's aggregate classification.

Dr. Peter K. Rogan Lab, Western University
No classification provided (evidence only). Condition: Clear cell carcinoma of kidney. Review status: no classification provided. Collection method: in vitro. Allele origin: not applicable. Functional consequence: cryptic splice site. Not counted in ClinVar's aggregate classification.

Dr. Peter K. Rogan Lab, Western University
No classification provided (evidence only). Condition: Melanoma. Review status: no classification provided. Collection method: in vitro. Allele origin: not applicable. Functional consequence: cryptic splice site. Not counted in ClinVar's aggregate classification.

Dr. Peter K. Rogan Lab, Western University
No classification provided (evidence only). Condition: Familial cancer of breast. Review status: no classification provided. Collection method: in vitro. Allele origin: not applicable. Functional consequence: cryptic splice site. Not counted in ClinVar's aggregate classification.

Dr. Peter K. Rogan Lab, Western University
No classification provided (evidence only). Condition: Familial cancer of breast. Review status: no classification provided. Collection method: in vitro. Allele origin: not applicable. Functional consequence: cryptic splice site. Not counted in ClinVar's aggregate classification.

Dr. Peter K. Rogan Lab, Western University
No classification provided (evidence only). Condition: Familial cancer of breast. Review status: no classification provided. Collection method: in vitro. Allele origin: not applicable. Functional consequence: cryptic splice site, retained intron. Not counted in ClinVar's aggregate classification.

Dr. Peter K. Rogan Lab, Western University
No classification provided (evidence only). Condition: Familial cancer of breast. Review status: no classification provided. Collection method: in vitro. Allele origin: not applicable. Functional consequence: cryptic splice site. Not counted in ClinVar's aggregate classification.

Dr. Peter K. Rogan Lab, Western University
No classification provided (evidence only). Condition: Acute myeloid leukemia. Review status: no classification provided. Collection method: in vitro. Allele origin: not applicable. Functional consequence: cryptic splice site. Not counted in ClinVar's aggregate classification.

Dr. Peter K. Rogan Lab, Western University
No classification provided (evidence only). Condition: Colon adenocarcinoma. Review status: no classification provided. Collection method: in vitro. Allele origin: not applicable. Functional consequence: cryptic splice site. Not counted in ClinVar's aggregate classification.

Dr. Peter K. Rogan Lab, Western University
No classification provided (evidence only). Condition: Colon adenocarcinoma. Review status: no classification provided. Collection method: in vitro. Allele origin: not applicable. Functional consequence: cryptic splice site. Not counted in ClinVar's aggregate classification.

Dr. Peter K. Rogan Lab, Western University
No classification provided (evidence only). Condition: Thyroid cancer, nonmedullary, 1. Review status: no classification provided. Collection method: in vitro. Allele origin: not applicable. Functional consequence: cryptic splice site. Not counted in ClinVar's aggregate classification.

Dr. Peter K. Rogan Lab, Western University
No classification provided (evidence only). Condition: Uterine corpus endometrial carcinoma. Review status: no classification provided. Collection method: in vitro. Allele origin: not applicable. Functional consequence: cryptic splice site, retained intron. Not counted in ClinVar's aggregate classification.

Dr. Peter K. Rogan Lab, Western University
No classification provided (evidence only). Condition: Cervical cancer. Review status: no classification provided. Collection method: in vitro. Allele origin: not applicable. Functional consequence: cryptic splice site. Not counted in ClinVar's aggregate classification.

Dr. Peter K. Rogan Lab, Western University
No classification provided (evidence only). Condition: Cervical cancer. Review status: no classification provided. Collection method: in vitro. Allele origin: not applicable. Functional consequence: cryptic splice site. Not counted in ClinVar's aggregate classification.

Dr. Peter K. Rogan Lab, Western University
No classification provided (evidence only). Condition: Thymoma. Review status: no classification provided. Collection method: in vitro. Allele origin: not applicable. Functional consequence: cryptic splice site. Not counted in ClinVar's aggregate classification.

Dr. Peter K. Rogan Lab, Western University
No classification provided (evidence only). Condition: Malignant tumor of esophagus. Review status: no classification provided. Collection method: in vitro. Allele origin: not applicable. Functional consequence: retained intron. Not counted in ClinVar's aggregate classification.

Dr. Peter K. Rogan Lab, Western University
No classification provided (evidence only). Condition: Malignant tumor of esophagus. Review status: no classification provided. Collection method: in vitro. Allele origin: not applicable. Functional consequence: cryptic splice site. Not counted in ClinVar's aggregate classification.

Dr. Peter K. Rogan Lab, Western University
No classification provided (evidence only). Condition: Lymphoma. Review status: no classification provided. Collection method: in vitro. Allele origin: not applicable. Functional consequence: retained intron. Not counted in ClinVar's aggregate classification.

Literature cited by the submitters: PubMed 30096381 (cited by Women's Health and Genetics/Laboratory Corporation of America, LabCorp); PubMed 30664616 (cited by Women's Health and Genetics/Laboratory Corporation of America, LabCorp); PubMed 38523675 (cited by Women's Health and Genetics/Laboratory Corporation of America, LabCorp); PubMed 30484961 (cited by Women's Health and Genetics/Laboratory Corporation of America, LabCorp).